The following is an entry in ClinVar:

NM_000044.6(AR):c.683del (p.Gly228fs)

Gene: AR (androgen receptor; plus strand). Cytogenetic location: Xq12.
Variant type: Deletion.
Coding change: c.683del on transcript NM_000044.6 (MANE Select); coding-DNA position 683, one base deleted (G; older notation c.683delG).
Protein change: p.Gly228fs; shifts the reading frame from glycine 228.
Molecular consequence: frameshift variant. On other transcripts: 5 prime UTR variant (1).
Genome position (GRCh38, 1-based): chrX:67,545,829, G deleted; the last of 5 consecutive G bases (chrX:67,545,825-67,545,829); deleting any one gives the same sequence. VCF-style (leftmost placement, unchanged base first): chrX-67545824-AG-A. GRCh37 (hg19) VCF-style: chrX-66765666-AG-A.
Other names: c.-1101del (NM_001011645.3); c.683del, p.Gly228fs (NM_001348061.1, NM_001348063.1, NM_001348064.1); short protein forms G228fs.
Identifiers: ClinVar variation 4992669 (VCV004992669.1).

ClinVar aggregate classification (germline): Likely pathogenic (1 of 4 stars; one submission).

Conditions:
AR-related disorder. Also called: AR-related condition.

Submission:

PreventionGenetics, part of Exact Sciences
Classification: Likely pathogenic for AR-related condition. Last evaluated: 2026-07-13. Review status: criteria provided, single submitter. Criteria: ACMG Guidelines, 2015. Collection method: clinical testing. Allele origin: germline.
Comment: The AR c.683delG variant is predicted to result in a frameshift and premature protein termination (p.Gly228Alafs*30). To our knowledge, this variant has not been reported in the literature or in a large population database (gnomAD), indicating this variant is rare. Frameshift variants in AR are expected to be pathogenic. This variant is interpreted as likely pathogenic.